The following is an entry in ClinVar:

ClinVar aggregate classification (germline): Uncertain significance (1 of 4 stars; one submission).

Conditions:
Nemaline myopathy 2 (NEM2). Also called: Nemaline myopathy 2, autosomal recessive. Identifiers: MedGen C1850569, MONDO:0009725, OMIM 256030.

Submission:

Labcorp Genetics (formerly Invitae), Labcorp
Classification: Uncertain significance for Nemaline myopathy 2. Last evaluated: 2020-06-30. Review status: criteria provided, single submitter. Criteria: Invitae Variant Classification Sherloc (09022015). Collection method: clinical testing. Allele origin: germline.
Comment: This sequence change affects codon 6740 of the NEB mRNA. It is a 'silent' change, meaning that it does not change the encoded amino acid sequence of the NEB protein. This variant is not present in population databases (ExAC no frequency). This variant has not been reported in the literature in individuals with NEB-related conditions. Algorithms developed to predict the effect of sequence changes on RNA splicing suggest that this variant may create or strengthen a splice site, but this prediction has not been confirmed by published transcriptional studies. In summary, the available evidence is currently insufficient to determine the role of this variant in disease. Therefore, it has been classified as a Variant of Uncertain Significance.

NM_001164508.2(NEB):c.20220T>A (p.Pro6740=)

Gene: NEB (nebulin; minus strand). Cytogenetic location: 2q23.3.
Variant type: single nucleotide variant.
Coding change: c.20220T>A on transcript NM_001164508.2 (MANE Select); coding-DNA position 20220, T replaced by A.
Protein change: p.Pro6740=; no amino-acid change (proline 6740 retained).
Molecular consequence: synonymous variant.
Genome position (GRCh38, 1-based): chr2:151,547,676, A>T on the plus strand (T>A on the coding strand, the complement: NEB is on the minus strand). VCF-style: chr2-151547676-A-T. GRCh37 (hg19) VCF-style: chr2-152404190-A-T.
Other names: c.20220T>A, p.Pro6740= (NM_001164507.2, NM_001271208.2); c.15117T>A, p.Pro5039= (NM_004543.5).
Identifiers: ClinVar variation 1981697 (VCV001981697.1), dbSNP rs1378031906, ClinGen allele CA429451376.